The following is an entry in ClinVar:

NM_006904.7(PRKDC):c.1991G>A (p.Ser664Asn)

Gene: PRKDC (protein kinase, DNA-activated, catalytic subunit; minus strand). Cytogenetic location: 8q11.21.
Variant type: single nucleotide variant.
Coding change: c.1991G>A on transcript NM_006904.7 (MANE Select); coding-DNA position 1991, G replaced by A.
Protein change: p.Ser664Asn; replaces serine 664 with asparagine.
Molecular consequence: missense variant.
Genome position (GRCh38, 1-based): chr8:47,929,914, C>T on the plus strand (G>A on the coding strand, the complement: PRKDC is on the minus strand). VCF-style: chr8-47929914-C-T. GRCh37 (hg19) VCF-style: chr8-48842474-C-T.
Other names: c.1991G>A, p.Ser664Asn (NM_001081640.2); short protein forms S664N.
Identifiers: ClinVar variation 1060208 (VCV001060208.9), dbSNP rs1217132210, ClinGen allele CA371164206.

ClinVar aggregate classification (germline): Uncertain significance. Review status: criteria provided, multiple submitters, no conflicts (2 of 4 stars). 2 submissions from 2 submitters: Uncertain significance (2). Last evaluated 2022-11-22.

Conditions:
Severe combined immunodeficiency due to DNA-PKcs deficiency. Also called: IMMUNODEFICIENCY 26 WITH NEUROLOGIC ABNORMALITIES; Immunodeficiency 26 with or without neurologic abnormalities. Identifiers: Orphanet 317425, MedGen C4014833, MONDO:0014423, OMIM 615966.

Allele frequency attached by ClinVar (database versions not stated): gnomAD exomes below 0.00001; TOPMed below 0.00001; gnomAD 0.00001.
gnomAD v4.1: 2 of 1,608,126 alleles (0.00012%); highest among the groups gnomAD compares: Non-Finnish European, 0.00017%; no homozygotes.

Submissions (2):

Labcorp Genetics (formerly Invitae), Labcorp
Classification: Uncertain significance for Severe combined immunodeficiency due to DNA-PKcs deficiency. Last evaluated: 2022-11-22. Review status: criteria provided, single submitter. Criteria: Invitae Variant Classification Sherloc (09022015). Collection method: clinical testing. Allele origin: germline.
Comment: ClinVar contains an entry for this variant (Variation ID: 1060208). This variant has not been reported in the literature in individuals affected with PRKDC-related conditions. This variant is not present in population databases (gnomAD no frequency). This sequence change replaces serine, which is neutral and polar, with asparagine, which is neutral and polar, at codon 664 of the PRKDC protein (p.Ser664Asn). Advanced modeling of protein sequence and biophysical properties (such as structural, functional, and spatial information, amino acid conservation, physicochemical variation, residue mobility, and thermodynamic stability) performed at Invitae indicates that this missense variant is expected to disrupt PRKDC protein function. In summary, the available evidence is currently insufficient to determine the role of this variant in disease. Therefore, it has been classified as a Variant of Uncertain Significance.

Ambry Genetics
Classification: Uncertain significance. Last evaluated: 2022-05-26. Review status: criteria provided, single submitter. Criteria: Ambry Variant Classification Scheme 2023. Collection method: clinical testing. Allele origin: germline.
Comment: The p.S664N variant (also known as c.1991G>A), located in coding exon 18 of the PRKDC gene, results from a G to A substitution at nucleotide position 1991. The serine at codon 664 is replaced by asparagine, an amino acid with highly similar properties. This amino acid position is conserved. In addition, this alteration is predicted to be tolerated by in silico analysis. Since supporting evidence is limited at this time, the clinical significance of this alteration remains unclear.